The following is an entry in ClinVar:

NM_000466.3(PEX1):c.1793C>G (p.Thr598Arg)

Gene: PEX1 (peroxisomal biogenesis factor 1; minus strand). Cytogenetic location: 7q21.2.
Variant type: single nucleotide variant.
Coding change: c.1793C>G on transcript NM_000466.3 (MANE Select); coding-DNA position 1793, C replaced by G.
Protein change: p.Thr598Arg; replaces threonine 598 with arginine.
Molecular consequence: missense variant.
Genome position (GRCh38, 1-based): chr7:92,507,004, G>C on the plus strand (C>G on the coding strand, the complement: PEX1 is on the minus strand). VCF-style: chr7-92507004-G-C. GRCh37 (hg19) VCF-style: chr7-92136318-G-C.
Other names: c.1793C>G, p.Thr598Arg (NM_001282677.2); c.1169C>G, p.Thr390Arg (NM_001282678.2); short protein forms T390R, T598R.
Identifiers: ClinVar variation 3646217 (VCV003646217.2).

ClinVar aggregate classification (germline): Uncertain significance (1 of 4 stars; one submission).

Conditions:
Zellweger spectrum disorders (ZS). Also called: Zellweger syndrome; Zellweger Spectrum Disorder (ZSD); Zellweger Spectrum Disorder; Zellweger Spectrum. Identifiers: Orphanet 912, MedGen C0043459, MONDO:0019609.

gnomAD v4.1: 1 of 1,613,980 alleles (0.000062%); no homozygotes.

Submission:

Labcorp Genetics (formerly Invitae), Labcorp
Classification: Uncertain significance for Zellweger spectrum disorders. Last evaluated: 2024-06-10. Review status: criteria provided, single submitter. Criteria: Invitae Variant Classification Sherloc (09022015). Collection method: clinical testing. Allele origin: germline.
Comment: This sequence change replaces threonine, which is neutral and polar, with arginine, which is basic and polar, at codon 598 of the PEX1 protein (p.Thr598Arg). This variant is not present in population databases (gnomAD no frequency). This variant has not been reported in the literature in individuals affected with PEX1-related conditions. Advanced modeling of protein sequence and biophysical properties (such as structural, functional, and spatial information, amino acid conservation, physicochemical variation, residue mobility, and thermodynamic stability) has been performed at Invitae for this missense variant, however the output from this modeling did not meet the statistical confidence thresholds required to predict the impact of this variant on PEX1 protein function. In summary, the available evidence is currently insufficient to determine the role of this variant in disease. Therefore, it has been classified as a Variant of Uncertain Significance.